The following is an entry in ClinVar:

NC_000004.12:g.(?_185523352)_(185535568_?)dup

Gene: PDLIM3 (PDZ and LIM domain 3; minus strand). Cytogenetic location: 4q35.1.
Variant type: Duplication.
Identifiers: ClinVar variation 831121 (VCV000831121.1).

ClinVar aggregate classification (germline): Uncertain significance (1 of 4 stars; one submission).

Conditions:
Hypertrophic cardiomyopathy. Also called: HYPERTROPHIC MYOCARDIOPATHY. Identifiers: Orphanet 217569, MedGen C0007194, MeSH D002312, MONDO:0005045, HP:0001639.
Primary dilated cardiomyopathy (DCM). Also called: Dilated Cardiomyopathy. Identifiers: Orphanet 217604, MedGen C0007193, MeSH D002311, MONDO:0005021, HP:0001644. Inheritance: Various modes of inheritance.

Submission:

Labcorp Genetics (formerly Invitae), Labcorp
Classification: Uncertain significance for Hypertrophic cardiomyopathy; Primary dilated cardiomyopathy. Last evaluated: 2019-08-26. Review status: criteria provided, single submitter. Criteria: Invitae Variant Classification Sherloc (09022015). Collection method: clinical testing. Allele origin: germline.
Comment: This variant is a gross duplication of the genomic region encompassing exons 1-3 of the PDLIM3 gene. The 5' end of this event is unknown as it extends beyond the assayed region for this gene and therefore may encompass additional genes. The 3' boundary is likely confined to intron 3 of the PDLIM3 gene. This variant is not present in population databases and has not been reported in the literature in individuals with a PDLIM3-related disease. In summary, this is a novel duplication involving the first coding exon of the PDLIM3 gene. However the genomic location and orientation of the duplicated sequence is unknown. For these reasons, this change has been classified as a Variant of Uncertain Significance.